The following is an entry in ClinVar:

ClinVar aggregate classification (germline): Uncertain significance (1 of 4 stars; one submission).

Conditions:
Agammaglobulinemia 4, autosomal recessive (AGM4). Also called: AGAMMAGLOBULINEMIA, AUTOSOMAL RECESSIVE, DUE TO BLNK DEFECT; B cell linker protein deficiency. Identifiers: MedGen C3150752, MONDO:0013289, OMIM 613502.

Allele frequency attached by ClinVar (database versions not stated): gnomAD 0.00001; TOPMed 0.00001.
gnomAD v4.1: 3 of 1,610,986 alleles (0.00019%); highest among the groups gnomAD compares: Admixed American, 0.0034%; 1 homozygote.

Submission:

Labcorp Genetics (formerly Invitae), Labcorp
Classification: Uncertain significance for Agammaglobulinemia 4, autosomal recessive. Last evaluated: 2020-03-31. Review status: criteria provided, single submitter. Criteria: Invitae Variant Classification Sherloc (09022015). Collection method: clinical testing. Allele origin: germline.
Comment: This variant has not been reported in the literature in individuals with BLNK-related conditions. In summary, the available evidence is currently insufficient to determine the role of this variant in disease. Therefore, it has been classified as a Variant of Uncertain Significance. Algorithms developed to predict the effect of missense changes on protein structure and function (SIFT, PolyPhen-2, Align-GVGD) all suggest that this variant is likely to be disruptive, but these predictions have not been confirmed by published functional studies and their clinical significance is uncertain. This sequence change replaces tryptophan with serine at codon 64 of the BLNK protein (p.Trp64Ser). The tryptophan residue is highly conserved and there is a large physicochemical difference between tryptophan and serine. This variant is not present in population databases (ExAC no frequency).

NM_013314.4(BLNK):c.191G>C (p.Trp64Ser)

Gene: BLNK (B cell linker; minus strand). Cytogenetic location: 10q24.1.
Variant type: single nucleotide variant.
Coding change: c.191G>C on transcript NM_013314.4 (MANE Select); coding-DNA position 191, G replaced by C.
Protein change: p.Trp64Ser; replaces tryptophan 64 with serine.
Molecular consequence: missense variant. On other transcripts: non-coding transcript variant (4).
Genome position (GRCh38, 1-based): chr10:96,230,807, C>G on the plus strand (G>C on the coding strand, the complement: BLNK is on the minus strand). VCF-style: chr10-96230807-C-G. GRCh37 (hg19) VCF-style: chr10-97990563-C-G.
Other names: c.191G>C, p.Trp64Ser (NM_001114094.2, NM_001258440.2, NM_001258441.2 and 1 more transcripts); short protein forms W64S.
Identifiers: ClinVar variation 1044686 (VCV001044686.8), dbSNP rs1842471945, ClinGen allele CA377727092.